The following is an entry in ClinVar:

ClinVar aggregate classification (germline): Likely benign (0 of 4 stars; one submission).

Conditions:
CIROP-related disorder. Also called: CIROP-related condition.

Allele frequency attached by ClinVar (database versions not stated): gnomAD 0.00161; TOPMed 0.00174; 1000 Genomes Project 0.00220; 1000 Genomes Project 30x 0.00250.
gnomAD v4.1: 289 of 399,132 alleles (0.072%); highest among the groups gnomAD compares: African/African-American, 0.54%; 1 homozygote.

Submission:

PreventionGenetics, part of Exact Sciences
Classification: Likely benign for CIROP-related condition. Last evaluated: 2023-01-05. Review status: no assertion criteria provided. Collection method: clinical testing. Allele origin: germline.
Comment: This variant is classified as likely benign based on ACMG/AMP sequence variant interpretation guidelines (Richards et al. 2015 PMID: 25741868, with internal and published modifications).

NM_001354640.2(CIROP):c.1992T>G (p.His664Gln)

Gene: CIROP (ciliated left-right organizer metallopeptidase; minus strand). Cytogenetic location: 14q11.2.
Variant type: single nucleotide variant.
Coding change: c.1992T>G on transcript NM_001354640.2 (MANE Select); coding-DNA position 1992, T replaced by G.
Protein change: p.His664Gln; replaces histidine 664 with glutamine.
Molecular consequence: missense variant.
Genome position (GRCh38, 1-based): chr14:23,100,669, A>C on the plus strand (T>G on the coding strand, the complement: CIROP is on the minus strand). VCF-style: chr14-23100669-A-C. GRCh37 (hg19) VCF-style: chr14-23569878-A-C.
Other names: c.1827T>G, p.His609Gln (NM_001402427.1); short protein forms H609Q, H664Q.
Identifiers: ClinVar variation 3054769 (VCV003054769.2), dbSNP rs187174627, ClinGen allele CA257763873.